The following is an entry in ClinVar:

ClinVar aggregate classification (germline): Conflicting classifications of pathogenicity. Review status: criteria provided, conflicting classifications (1 of 4 stars). 2 submissions from 2 submitters: Likely pathogenic (1); Uncertain significance (1). Last evaluated 2024-09-16.

Conditions:
Hereditary cancer-predisposing syndrome. Also called: Neoplastic Syndromes, Hereditary; Tumor predisposition; Hereditary Cancer Syndrome; Hereditary neoplastic syndrome. Identifiers: Orphanet 140162, MedGen C0027672, MeSH D009386, MONDO:0015356.
Familial cancer of breast. Also called: BREAST CANCER, FAMILIAL; hereditary breast carcinoma; Hereditary breast cancer. Identifiers: Orphanet 227535, MedGen C0346153, MONDO:0016419, OMIM 114480. Disease mechanism: loss of function.

Submissions (2):

Ambry Genetics
Classification: Likely pathogenic for Hereditary cancer-predisposing syndrome. Last evaluated: 2024-09-16. Review status: criteria provided, single submitter. Criteria: Ambry Variant Classification Scheme 2023. Collection method: clinical testing. Allele origin: germline.
Comment: The c.1396-14A>G intronic variant results from an A to G substitution 14 nucleotides upstream from coding exon 6 in the BARD1 gene. This nucleotide position is not well conserved in available vertebrate species. In silico splice site analysis predicts that this alteration will weaken the native splice acceptor site and will result in the creation or strengthening of a novel splice acceptor site. RNA studies have demonstrated that this alteration results in abnormal splicing in the set of samples tested (Ambry internal data). This variant is considered to be rare based on population cohorts in the Genome Aggregation Database (gnomAD). Based on the majority of available evidence to date, this variant is likely to be pathogenic.

Labcorp Genetics (formerly Invitae), Labcorp
Classification: Uncertain significance for Familial cancer of breast. Last evaluated: 2023-01-21. Review status: criteria provided, single submitter. Criteria: Invitae Variant Classification Sherloc (09022015). Collection method: clinical testing. Allele origin: germline.
Comment: This variant has not been reported in the literature in individuals affected with BARD1-related conditions. This variant is not present in population databases (gnomAD no frequency). This sequence change falls in intron 5 of the BARD1 gene. It does not directly change the encoded amino acid sequence of the BARD1 protein. RNA analysis indicates that this variant induces altered splicing and may result in an absent or disrupted protein product. Studies have shown that this variant results in activation of a cryptic splice site and introduces a premature termination codon (Invitae). The resulting mRNA is expected to undergo nonsense-mediated decay. In summary, the available evidence is currently insufficient to determine the role of this variant in disease. Therefore, it has been classified as a Variant of Uncertain Significance.

NM_000465.4(BARD1):c.1396-14A>G

Gene: BARD1 (BRCA1 associated RING domain 1; minus strand). Cytogenetic location: 2q35.
Variant type: single nucleotide variant.
Coding change: c.1396-14A>G on transcript NM_000465.4 (MANE Select); 14 bases into the intron before coding-DNA position 1396, A replaced by G.
Molecular consequence: intron variant.
Genome position (GRCh38, 1-based): chr2:214,767,668, T>C on the plus strand (A>G on the coding strand, the complement: BARD1 is on the minus strand). VCF-style: chr2-214767668-T-C. GRCh37 (hg19) VCF-style: chr2-215632392-T-C.
Other names: c.159-15113A>G (NM_001282548.2); c.1339-14A>G (NM_001282543.2); c.216-15113A>G (NM_001282545.2); c.364+24629A>G (NM_001282549.2); c.1396-14A>G (NM_000465.2).
Identifiers: ClinVar variation 2820900 (VCV002820900.4), dbSNP rs2469445078, ClinGen allele CA2739279061.
Genomic context (GRCh38, chr2:214,767,668, plus strand): 5'-AGCAATAATTCCACTACCTTCAGGTGCCCATGATTGCAAGCTTCATGCTAATTAAATTTT[T>C]TGAAAAAGAAGTGAAAGAAGTGATAAGAAAGAGCAATGGATGATATTATAATATCACACT-3'